The following is an entry in ClinVar:

NM_012154.5(AGO2):c.2132A>G (p.His711Arg)

Gene: AGO2 (argonaute RISC catalytic component 2; minus strand). Cytogenetic location: 8q24.3.
Variant type: single nucleotide variant.
Coding change: c.2132A>G on transcript NM_012154.5 (MANE Select); coding-DNA position 2132, A replaced by G.
Protein change: p.His711Arg; replaces histidine 711 with arginine.
Molecular consequence: missense variant.
Genome position (GRCh38, 1-based): chr8:140,539,357, T>C on the plus strand (A>G on the coding strand, the complement: AGO2 is on the minus strand). VCF-style: chr8-140539357-T-C. GRCh37 (hg19) VCF-style: chr8-141549456-T-C.
Other names: c.2132A>G, p.His711Arg (NM_001164623.3); short protein forms H711R.
Identifiers: ClinVar variation 4293172 (VCV004293172.1).

ClinVar aggregate classification (germline): Uncertain significance (1 of 4 stars; one submission).

Conditions:
Lessel-Kreienkamp syndrome. Identifiers: MedGen C5436892, MONDO:0030897, OMIM 619149.

Submission:

3billion
Classification: Uncertain significance for Lessel-Kreienkamp syndrome. Last evaluated: 2025-02-13. Review status: criteria provided, single submitter. Criteria: ACMG Guidelines, 2015. Collection method: clinical testing. Allele origin: germline. Affected: yes.
Comment: The variant is not observed in the gnomAD v4.1.0 dataset. Predicted Consequence/Location: Missense variant. Missense changes are a common disease-causing mechanism. In silico tool predictions suggest damaging effect of the variant on gene or gene product [REVEL: 0.83 (>=0.6, sensitivity 0.68 and specificity 0.92); 3Cnet: 0.96 (>=0.6, sensitivity 0.72 and precision 0.9)]. Therefore, this variant is classified as VUS according to the recommendation of ACMG/AMP guideline.